The following is an entry in ClinVar:

ClinVar aggregate classification (germline): Uncertain significance (1 of 4 stars; one submission).

Conditions:
Hereditary cancer-predisposing syndrome. Also called: Hereditary Cancer Syndrome; Hereditary neoplastic syndrome; Neoplastic Syndromes, Hereditary; Tumor predisposition. Identifiers: Orphanet 140162, MedGen C0027672, MeSH D009386, MONDO:0015356.

Submission:

Ambry Genetics
Classification: Uncertain significance for Hereditary cancer-predisposing syndrome. Last evaluated: 2022-08-07. Review status: criteria provided, single submitter. Criteria: Ambry Variant Classification Scheme 2023. Collection method: clinical testing. Allele origin: germline.
Comment: The p.Q510L variant (also known as c.1529A>T), located in coding exon 13 of the CHEK2 gene, results from an A to T substitution at nucleotide position 1529. The glutamine at codon 510 is replaced by leucine, an amino acid with dissimilar properties. This amino acid position is conserved. In addition, this alteration is predicted to be tolerated by in silico analysis. Since supporting evidence is limited at this time, the clinical significance of this alteration remains unclear.

NM_007194.4(CHEK2):c.1529A>T (p.Gln510Leu)

Gene: CHEK2 (checkpoint kinase 2; minus strand). Cytogenetic location: 22q12.1.
Variant type: single nucleotide variant.
Coding change: c.1529A>T on transcript NM_007194.4 (MANE Select); coding-DNA position 1529, A replaced by T.
Protein change: p.Gln510Leu; replaces glutamine 510 with leucine.
Molecular consequence: missense variant.
Genome position (GRCh38, 1-based): chr22:28,689,148, T>A on the plus strand (A>T on the coding strand, the complement: CHEK2 is on the minus strand). VCF-style: chr22-28689148-T-A. GRCh37 (hg19) VCF-style: chr22-29085136-T-A.
Other names: c.1658A>T, p.Gln553Leu (NM_001005735.3); c.866A>T, p.Gln289Leu (NM_001257387.3); c.1328A>T, p.Gln443Leu (NM_001349956.3); c.1442A>T, p.Gln481Leu (NM_145862.3); short protein forms Q553L, Q289L, Q443L, Q510L, Q481L.
Identifiers: ClinVar variation 1774570 (VCV001774570.2), dbSNP rs1601701772, ClinGen allele CA411092327.